The following is an entry in ClinVar:

NM_004380.3(CREBBP):c.3060+9C>T

Gene: CREBBP (CREB binding lysine acetyltransferase; minus strand). Cytogenetic location: 16p13.3.
Variant type: single nucleotide variant.
Coding change: c.3060+9C>T on transcript NM_004380.3 (MANE Select); 9 bases into the intron after coding-DNA position 3060, C replaced by T.
Molecular consequence: intron variant.
Genome position (GRCh38, 1-based): chr16:3,769,165, G>A on the plus strand (C>T on the coding strand, the complement: CREBBP is on the minus strand). VCF-style: chr16-3769165-G-A. GRCh37 (hg19) VCF-style: chr16-3819166-G-A.
Other names: c.2946+9C>T (NM_001079846.1).
Identifiers: ClinVar variation 767287 (VCV000767287.11), dbSNP rs372291994, ClinGen allele CA7869957.

ClinVar aggregate classification (germline): Likely benign. Review status: criteria provided, multiple submitters, no conflicts (2 of 4 stars). 3 submissions from 3 submitters: Likely benign (2). 1 of the submissions does not count toward it. Last evaluated 2023-01-23.

Conditions:
Rubinstein-Taybi syndrome (RSTS). Identifiers: Orphanet 783, MedGen C0035934, MONDO:0019188.
CREBBP-related disorder. Also called: CREBBP-related disorders; CREBBP-related condition.
Rubinstein-Taybi syndrome due to CREBBP mutations (RSTS1). Also called: CREBBP-Related Rubinstein-Taybi Syndrome; BROAD THUMB-HALLUX SYNDROME; RUBINSTEIN SYNDROME; Rubinstein-Taybi syndrome 1; RUBINSTEIN-TAYBI SYNDROME 1, INCOMPLETE; BROAD THUMBS AND GREAT TOES, CHARACTERISTIC FACIES, AND IMPAIRED INTELLECTUAL DEVELOPMENT. Identifiers: Orphanet 353277, Orphanet 783, MedGen C4551859, MONDO:0008393, OMIM 180849.
Menke-Hennekam syndrome 1 (MKHK1). Identifiers: MedGen C5193034, MONDO:0020763, OMIM 618332.

Allele frequency attached by ClinVar (database versions not stated): ExAC 0.00002; gnomAD exomes 0.00002 and 0.00006; gnomAD 0.00004 and 0.00005; TOPMed 0.00005; ESP Exome Variant Server 0.00008; 1000 Genomes Project 30x 0.00016; 1000 Genomes Project 0.00020.
gnomAD v4.1: 101 of 1,613,846 alleles (0.0063%); highest among the groups gnomAD compares: Non-Finnish European, 0.0078%; no homozygotes.

Submissions (3):

Labcorp Genetics (formerly Invitae), Labcorp
Classification: Likely benign for Rubinstein-Taybi syndrome. Last evaluated: 2023-01-23. Review status: criteria provided, single submitter. Criteria: Invitae Variant Classification Sherloc (09022015). Collection method: clinical testing. Allele origin: germline.

Fulgent Genetics
Classification: Likely benign for Rubinstein-Taybi syndrome due to CREBBP mutations; Menke-Hennekam syndrome 1. Last evaluated: 2022-01-12. Review status: criteria provided, single submitter. Criteria: ACMG Guidelines, 2015. Collection method: clinical testing. Allele origin: unknown.

PreventionGenetics, part of Exact Sciences
Classification: Likely benign for CREBBP-related condition. Last evaluated: 2021-11-11. Review status: no assertion criteria provided. Collection method: clinical testing. Allele origin: germline. Not counted in ClinVar's aggregate classification.
Comment: This variant is classified as likely benign based on ACMG/AMP sequence variant interpretation guidelines (Richards et al. 2015 PMID: 25741868, with internal and published modifications).